The following is an entry in ClinVar:

ClinVar aggregate classification (germline): Uncertain significance (1 of 4 stars; one submission).

Conditions:
Hereditary cancer-predisposing syndrome. Also called: Tumor predisposition; Hereditary neoplastic syndrome; Neoplastic Syndromes, Hereditary; Hereditary Cancer Syndrome. Identifiers: Orphanet 140162, MedGen C0027672, MeSH D009386, MONDO:0015356.

Submission:

Ambry Genetics
Classification: Uncertain significance for Hereditary cancer-predisposing syndrome. Last evaluated: 2025-05-04. Review status: criteria provided, single submitter. Criteria: Ambry Variant Classification Scheme 2023. Collection method: clinical testing. Allele origin: germline.
Comment: The p.L479R variant (also known as c.1436T>G), located in coding exon 13 of the FANCC gene, results from a T to G substitution at nucleotide position 1436. The leucine at codon 479 is replaced by arginine, an amino acid with dissimilar properties. This amino acid position is conserved. In addition, this alteration is predicted to be tolerated by in silico analysis. Based on the available evidence, the clinical significance of this variant remains unclear.

NM_000136.3(FANCC):c.1436T>G (p.Leu479Arg)

Genes: AOPEP (aminopeptidase O (putative); plus strand), FANCC (FA complementation group C; minus strand). Cytogenetic location: 9q22.32.
Variant type: single nucleotide variant.
Coding change: c.1436T>G on transcript NM_000136.3 (MANE Select); coding-DNA position 1436, T replaced by G.
Protein change: p.Leu479Arg; replaces leucine 479 with arginine.
Molecular consequence: missense variant.
Genome position (GRCh38, 1-based): chr9:95,107,163, A>C on the plus strand (T>G on the coding strand, the complement: FANCC is on the minus strand). VCF-style: chr9-95107163-A-C. GRCh37 (hg19) VCF-style: chr9-97869445-A-C.
Other names: c.1436T>G, p.Leu479Arg (NM_001243743.2); short protein forms L479R.
Identifiers: ClinVar variation 4022417 (VCV004022417.1).